The following is an entry in ClinVar:

ClinVar aggregate classification (germline): Likely benign. Review status: criteria provided, multiple submitters, no conflicts (2 of 4 stars). 2 submissions from 2 submitters: Likely benign (2). Last evaluated 2025-04-16.

Conditions:
FAM111A-related disorder. Also called: FAM111A-related condition.

gnomAD v4.1: 22 of 1,614,032 alleles (0.0014%); highest among the groups gnomAD compares: Non-Finnish European, 0.0018%; no homozygotes.

Submissions (2):

PreventionGenetics, part of Exact Sciences
Classification: Likely benign for FAM111A-related condition. Last evaluated: 2025-04-16. Review status: criteria provided, single submitter. Criteria: ACMG Guidelines, 2015. Collection method: clinical testing. Allele origin: germline.
Comment: This variant is classified as likely benign based on ACMG/AMP sequence variant interpretation guidelines (Richards et al. 2015 PMID: 25741868, with internal and published modifications).

Blueprint Genetics
Classification: Likely benign. Last evaluated: 2024-04-15. Review status: criteria provided, single submitter. Criteria: ACMG Guidelines, 2015. Collection method: clinical testing. Allele origin: germline.

NM_001312909.2(FAM111A):c.606G>A (p.Gly202=)

Gene: FAM111A (FAM111 trypsin like peptidase A; plus strand). Cytogenetic location: 11q12.1.
Variant type: single nucleotide variant.
Coding change: c.606G>A on transcript NM_001312909.2 (MANE Select); coding-DNA position 606, G replaced by A.
Protein change: p.Gly202=; no amino-acid change (glycine 202 retained).
Molecular consequence: synonymous variant.
Genome position (GRCh38, 1-based): chr11:59,152,274, G>A. VCF-style: chr11-59152274-G-A. GRCh37 (hg19) VCF-style: chr11-58919747-G-A.
Other names: c.606G>A, p.Gly202= (NM_001142519.3, NM_001142520.3, NM_001142521.3 and 29 more transcripts); c.606G>A (NM_022074.3).
Identifiers: ClinVar variation 4911737 (VCV004911737.2).
Genomic context (GRCh38, chr11:59,152,274, plus strand): 5'-CAAATTTTACATTCATGCAATTGGAATTGGGAAGTGTAAAAGAAGGATTGTTAAATGTGG[G>A]AAGCTTCACAAAAAGGGGCGCAAACTCTGTGTTTATGCTTTCAAAGGAGAAACCATCAAG-3'
Protein context (NP_001299838.1, residues 192-212): GKCKRRIVKC[Gly202=]KLHKKGRKLC